The following is an entry in ClinVar:

ClinVar aggregate classification (germline): Uncertain significance (1 of 4 stars; one submission).

Submission:

GeneDx
Classification: Uncertain significance. Last evaluated: 2024-05-28. Review status: criteria provided, single submitter. Criteria: GeneDx Variant Classification Process June 2021. Collection method: clinical testing. Allele origin: germline. Affected: yes.
Comment: Not observed at significant frequency in large population cohorts (gnomAD); Frameshift variant predicted to result in abnormal protein length as the last 102 amino acids are replaced with 5 different amino acids; Has not been previously published as pathogenic or benign to our knowledge

NM_007118.4(TRIO):c.8988_8991del (p.Ser2996fs)

Gene: TRIO (trio Rho guanine nucleotide exchange factor; plus strand). Cytogenetic location: 5p15.2.
Variant type: Deletion.
Coding change: c.8988_8991del on transcript NM_007118.4 (MANE Select); coding-DNA positions 8988 to 8991, 4 bases deleted (TGTG; older notation c.8988_8991delTGTG).
Protein change: p.Ser2996fs; shifts the reading frame from serine 2996.
Molecular consequence: frameshift variant. On other transcripts: non-coding transcript variant (1).
Genome position (GRCh38, 1-based): chr5:14,508,116-14,508,119, TGTG deleted; deleting any 4 consecutive bases within chr5:14,508,115-14,508,119 gives the same sequence; the c. name uses the placement nearest the transcript's 3' end. VCF-style (leftmost placement, unchanged base first): chr5-14508114-AGTGT-A. GRCh37 (hg19) VCF-style: chr5-14508223-AGTGT-A.
Other names: short protein forms S2996fs.
Identifiers: ClinVar variation 2574963 (VCV002574963.2), dbSNP rs2477741793, ClinGen allele CA2580613532.
Genomic context (GRCh38, chr5:14,508,114, plus strand): 5'-TGGAGTGTTGGAGTGCTCACATACGTACTTCTTAGTGGCGTGTCCCCCTTCCTGGATGAC[AGTGT>A]GGAAGAGACCTGCCTGAACATTTGCCGCTTAGACTTTAGCTTCCCAGATGACTACTTTAA-3'